The following is an entry in ClinVar:

NM_001144825.2(RUNDC3A):c.1104G>A (p.Met368Ile)

Gene: RUNDC3A (RUN domain containing 3A; plus strand). Cytogenetic location: 17q21.31.
Variant type: single nucleotide variant.
Coding change: c.1104G>A on transcript NM_001144825.2 (MANE Select); coding-DNA position 1104, G replaced by A.
Protein change: p.Met368Ile; replaces methionine 368 with isoleucine.
Molecular consequence: missense variant.
Genome position (GRCh38, 1-based): chr17:44,316,631, G>A. VCF-style: chr17-44316631-G-A. GRCh37 (hg19) VCF-style: chr17-42393999-G-A.
Other names: c.1089G>A, p.Met363Ile (NM_001144826.2); c.1104G>A, p.Met368Ile (NM_006695.5); short protein forms M363I, M368I.
Identifiers: ClinVar variation 2647831 (VCV002647831.24), dbSNP rs62640053, ClinGen allele CA8601052.

ClinVar aggregate classification (germline): Benign (1 of 4 stars; one submission).

Allele frequency attached by ClinVar (database versions not stated): 1000 Genomes Project 30x 0.00390; 1000 Genomes Project 0.00439; TOPMed 0.00803; ESP Exome Variant Server 0.00921; gnomAD 0.00934; ExAC 0.00999.

Submission:

CeGaT Center for Human Genetics Tuebingen
Classification: Benign. Last evaluated: 2023-08-01. Review status: criteria provided, single submitter. Criteria: CeGaT Center For Human Genetics Tuebingen Variant Classification Criteria Version 2. Collection method: clinical testing. Allele origin: germline. Affected: yes. Observed: 1 variant allele.
Comment: RUNDC3A: BS1, BS2